The following is an entry in ClinVar:

NM_014611.3(MDN1):c.5949C>T (p.Thr1983=)

Gene: MDN1 (midasin AAA ATPase 1; minus strand). Cytogenetic location: 6q15.
Variant type: single nucleotide variant.
Coding change: c.5949C>T on transcript NM_014611.3 (MANE Select); coding-DNA position 5949, C replaced by T.
Protein change: p.Thr1983=; no amino-acid change (threonine 1983 retained).
Molecular consequence: synonymous variant.
Genome position (GRCh38, 1-based): chr6:89,722,973, G>A on the plus strand (C>T on the coding strand, the complement: MDN1 is on the minus strand). VCF-style: chr6-89722973-G-A. GRCh37 (hg19) VCF-style: chr6-90432692-G-A.
Identifiers: ClinVar variation 2656766 (VCV002656766.24), dbSNP rs201300780, ClinGen allele CA3924707.
Genomic context (GRCh38, chr6:89,722,973, plus strand): 5'-TTTCAGATGGAAAGAAATACAAATACCAAGCGTGAAACTCACCTTTTTTTTGTCCTCTTC[G>A]GTTCTCATTCTTTCACCATAGACCAAAAACACATGCTGACCAGGATCATAACACCCAGGG-3'
Protein context (NP_055426.1, residues 1973-1993): VFLVYGERMR[Thr1983=]EEDKKKVIAV

ClinVar aggregate classification (germline): Likely benign (1 of 4 stars; one submission).

Allele frequency attached by ClinVar (database versions not stated): ExAC 0.00002; gnomAD exomes 0.00003; TOPMed 0.00003; gnomAD 0.00007; 1000 Genomes Project 0.00020; 1000 Genomes Project 30x 0.00031.
gnomAD v4.1: 57 of 1,605,926 alleles (0.0035%); highest among the groups gnomAD compares: Non-Finnish European, 0.0043%; no homozygotes.

Submission:

CeGaT Center for Human Genetics Tuebingen
Classification: Likely benign. Last evaluated: 2022-10-01. Review status: criteria provided, single submitter. Criteria: CeGaT Center For Human Genetics Tuebingen Variant Classification Criteria Version 2. Collection method: clinical testing. Allele origin: germline. Affected: yes. Observed: 1 variant allele.
Comment: MDN1: BP4